The following is an entry in ClinVar:

ClinVar aggregate classification (germline): Uncertain significance (1 of 4 stars; one submission).

Submission:

Labcorp Genetics (formerly Invitae), Labcorp
Classification: Uncertain significance. Last evaluated: 2022-04-01. Review status: criteria provided, single submitter. Criteria: Invitae Variant Classification Sherloc (09022015). Collection method: clinical testing. Allele origin: germline.
Comment: This sequence change replaces arginine, which is basic and polar, with lysine, which is basic and polar, at codon 138 of the LCA5 protein (p.Arg138Lys). This variant is not present in population databases (gnomAD no frequency). This variant has not been reported in the literature in individuals affected with LCA5-related conditions. Algorithms developed to predict the effect of missense changes on protein structure and function are either unavailable or do not agree on the potential impact of this missense change (SIFT: "Tolerated"; PolyPhen-2: "Possibly Damaging"; Align-GVGD: "Class C0"). In summary, the available evidence is currently insufficient to determine the role of this variant in disease. Therefore, it has been classified as a Variant of Uncertain Significance.

NM_001122769.3(LCA5):c.413G>A (p.Arg138Lys)

Gene: LCA5 (lebercilin LCA5; minus strand). Cytogenetic location: 6q14.1.
Variant type: single nucleotide variant.
Coding change: c.413G>A on transcript NM_001122769.3 (MANE Select); coding-DNA position 413, G replaced by A.
Protein change: p.Arg138Lys; replaces arginine 138 with lysine.
Molecular consequence: missense variant.
Genome position (GRCh38, 1-based): chr6:79,513,519, C>T on the plus strand (G>A on the coding strand, the complement: LCA5 is on the minus strand). VCF-style: chr6-79513519-C-T. GRCh37 (hg19) VCF-style: chr6-80223236-C-T.
Other names: c.413G>A, p.Arg138Lys (NM_181714.4); short protein forms R138K.
Identifiers: ClinVar variation 2120323 (VCV002120323.4), dbSNP rs2533439559, ClinGen allele CA364629100.
Genomic context (GRCh38, chr6:79,513,519, plus strand): 5'-GAGATTTCATTTTCGGCATCTTCAAACTTATTCAGGGCTTTCTCCTGTCTGTACTGAAGC[C>T]TTTTCAAAGATTTATTTTCTTTTAGCAGCTCAGCTAACTTGACCTGGAGTTCAGATACTT-3'
Protein context (NP_001116241.1, residues 128-148): ELLKENKSLK[Arg138Lys]LQYRQEKALN